The following is an entry in ClinVar:

ClinVar aggregate classification (germline): Conflicting classifications of pathogenicity. Review status: criteria provided, conflicting classifications (1 of 4 stars). 3 submissions from 3 submitters: Uncertain significance (2); Likely benign (1). Last evaluated 2025-10-09.

Conditions:
Cardiovascular phenotype. Identifiers: MedGen CN230736.
Cardiomyopathy (CMYO). Also called: Cardiomyopathies. Identifiers: Orphanet 167848, MedGen C0878544, MONDO:0004994, HP:0001638. Inheritance: Various modes of inheritance.
Arrhythmogenic cardiomyopathy with wooly hair and keratoderma. Also called: Dilated cardiomyopathy with woolly hair and keratoderma; PALMOPLANTAR KERATODERMA WITH LEFT VENTRICULAR CARDIOMYOPATHY AND WOOLLY HAIR; Carvajal syndrome; Arrhythmogenic cardiomyopathy with woolly hair and keratoderma. Identifiers: Orphanet 65282, MedGen C1854063, MONDO:0011581, OMIM 605676.
Arrhythmogenic right ventricular dysplasia 8 (ARVD8). Also called: Arrhythmogenic Right Ventricular Dysplasia/Cardiomyopathy 8; ARRHYTHMOGENIC RIGHT VENTRICULAR DYSPLASIA, FAMILIAL, 8; ARRHYTHMOGENIC RIGHT VENTRICULAR CARDIOMYOPATHY 8. Identifiers: MedGen C1843896, MONDO:0011831, OMIM 607450.

gnomAD v4.1: 61 of 1,563,864 alleles (0.0039%); highest among the groups gnomAD compares: Non-Finnish European, 0.0051%; no homozygotes.

Submissions (3):

Labcorp Genetics (formerly Invitae), Labcorp
Classification: Likely benign for Arrhythmogenic cardiomyopathy with wooly hair and keratoderma; Arrhythmogenic right ventricular dysplasia 8. Last evaluated: 2025-10-09. Review status: criteria provided, single submitter. Criteria: Invitae Variant Classification Sherloc (09022015). Collection method: clinical testing. Allele origin: germline.

Ambry Genetics
Classification: Uncertain significance for Cardiovascular phenotype. Last evaluated: 2025-01-24. Review status: criteria provided, single submitter. Criteria: Ambry Variant Classification Scheme 2023. Collection method: clinical testing. Allele origin: germline.
Comment: The p.S53P variant (also known as c.157T>C), located in coding exon 1 of the DSP gene, results from a T to C substitution at nucleotide position 157. The serine at codon 53 is replaced by proline, an amino acid with similar properties. This amino acid position is highly conserved in available vertebrate species. In addition, this alteration is predicted to be tolerated by in silico analysis. Based on the available evidence, the clinical significance of this variant remains unclear.

Color Diagnostics, LLC DBA Color Health
Classification: Uncertain significance for Cardiomyopathy. Last evaluated: 2024-03-07. Review status: criteria provided, single submitter. Criteria: ACMG Guidelines, 2015. Collection method: clinical testing. Allele origin: germline.
Comment: This missense variant replaces serine with proline at codon 53 of the DSP protein. Computational prediction suggests that this variant may not impact protein structure and function (internally defined REVEL score threshold <= 0.5, PMID: 27666373). To our knowledge, functional studies have not been reported for this variant. This variant has not been reported in individuals affected with cardiovascular disorders in the literature. This variant has been identified in 3/195022 chromosomes in the general population by the Genome Aggregation Database (gnomAD). The available evidence is insufficient to determine the role of this variant in disease conclusively. Therefore, this variant is classified as a Variant of Uncertain Significance.

NM_004415.4(DSP):c.157T>C (p.Ser53Pro)

Genes: DSP-AS1 (DSP antisense RNA 1; minus strand), DSP (desmoplakin; plus strand). Cytogenetic location: 6p24.3.
Variant type: single nucleotide variant.
Coding change: c.157T>C on transcript NM_004415.4 (MANE Select); coding-DNA position 157, T replaced by C.
Protein change: p.Ser53Pro; replaces serine 53 with proline.
Molecular consequence: missense variant.
Genome position (GRCh38, 1-based): chr6:7,542,072, T>C. VCF-style: chr6-7542072-T-C. GRCh37 (hg19) VCF-style: chr6-7542305-T-C.
Other names: c.157T>C, p.Ser53Pro (NM_001008844.3, NM_001319034.2); short protein forms S53P.
Identifiers: ClinVar variation 1171385 (VCV001171385.9), dbSNP rs397516918, ClinGen allele CA029045.